The following is an entry in ClinVar:

ClinVar aggregate classification (germline): Uncertain significance (1 of 4 stars; one submission).

Conditions:
Absence seizure. Also called: Absence epilepsy. Identifiers: Orphanet 1941, MedGen C0014553.
Myoclonic epilepsy, juvenile, susceptibility to, 1. Also called: Myoclonic Epilepsy, Juvenile, 1; EJM1. Identifiers: MedGen C1850778, MONDO:0020752, OMIM 254770.

Allele frequency attached by ClinVar (database versions not stated): gnomAD exomes below 0.00001 and 0.00001; ExAC 0.00001; gnomAD 0.00001; TOPMed 0.00002; ESP Exome Variant Server 0.00008.
gnomAD v4.1: 14 of 1,614,014 alleles (0.00087%); highest among the groups gnomAD compares: Non-Finnish European, 0.0012%; no homozygotes.

Submission:

Labcorp Genetics (formerly Invitae), Labcorp
Classification: Uncertain significance for Myoclonic epilepsy, juvenile, susceptibility to, 1; Absence seizure. Last evaluated: 2018-10-13. Review status: criteria provided, single submitter. Criteria: Invitae Variant Classification Sherloc (09022015). Collection method: clinical testing. Allele origin: germline.
Comment: In summary, the available evidence is currently insufficient to determine the role of this variant in disease. Therefore, it has been classified as a Variant of Uncertain Significance. Algorithms developed to predict the effect of missense changes on protein structure and function (SIFT, PolyPhen-2, Align-GVGD) all suggest that this variant is likely to be disruptive, but these predictions have not been confirmed by published functional studies and their clinical significance is uncertain. This variant has not been reported in the literature in individuals with EFHC1-related disease. This variant is present in population databases (rs373042342, ExAC 0.001%). This sequence change replaces tyrosine with aspartic acid at codon 466 of the EFHC1 protein (p.Tyr466Asp). The tyrosine residue is moderately conserved and there is a large physicochemical difference between tyrosine and aspartic acid.

NM_018100.4(EFHC1):c.1396T>G (p.Tyr466Asp)

Gene: EFHC1 (EF-hand domain containing 1; plus strand). Cytogenetic location: 6p12.2.
Variant type: single nucleotide variant.
Coding change: c.1396T>G on transcript NM_018100.4 (MANE Select); coding-DNA position 1396, T replaced by G.
Protein change: p.Tyr466Asp; replaces tyrosine 466 with aspartic acid.
Molecular consequence: missense variant. On other transcripts: non-coding transcript variant (1).
Genome position (GRCh38, 1-based): chr6:52,479,154, T>G. VCF-style: chr6-52479154-T-G. GRCh37 (hg19) VCF-style: chr6-52343952-T-G.
Other names: c.1339T>G, p.Tyr447Asp (NM_001172420.2); short protein forms Y466D, Y447D.
Identifiers: ClinVar variation 578529 (VCV000578529.11), dbSNP rs373042342, ClinGen allele CA3856078.
Genomic context (GRCh38, chr6:52,479,154, plus strand): 5'-ACCGACATGATCAGTATCTTTGAGCCTCCTGTTCGCAATTCTGGTATCATTGGGGGCAAG[T>G]ACCTTGGCAGGACTAAAGTTGTTAAACCATACTCTACAGTGGACAACCCTGTCTACTATG-3'
Protein context (NP_060570.2, residues 456-476): VRNSGIIGGK[Tyr466Asp]LGRTKVVKPY